The following is an entry in ClinVar:

NM_001370259.2(MEN1):c.1464del (p.Lys488fs)

Gene: MEN1 (menin 1; minus strand). Cytogenetic location: 11q13.1.
Variant type: Deletion.
Coding change: c.1464del on transcript NM_001370259.2 (MANE Select); coding-DNA position 1464, one base deleted (G; older notation c.1464delG).
Protein change: p.Lys488fs; shifts the reading frame from lysine 488.
Molecular consequence: frameshift variant.
Genome position (GRCh38, 1-based): chr11:64,804,703, C deleted on the plus strand (G on the coding strand, the reverse complement: MEN1 is on the minus strand). VCF-style (leftmost placement, unchanged base first): chr11-64804702-GC-G. GRCh37 (hg19) VCF-style: chr11-64572174-GC-G.
Other names: c.1479del, p.Lys493fs (NM_000244.4, NM_130800.3, NM_130801.3 and 3 more transcripts); c.1590del, p.Lys530fs (NM_001370251.2); c.1464del, p.Lys488fs (NM_001370260.2, NM_001370261.2, NM_130799.3); c.1464delG (NM_130799.2); c.1359del, p.Lys453fs (NM_001370262.2, NM_001370263.2); short protein forms K453fs, K488fs, K530fs, K493fs.
Identifiers: ClinVar variation 265241 (VCV000265241.7), dbSNP rs886039420, ClinGen allele CA10588527.

ClinVar aggregate classification (germline): Pathogenic. Review status: criteria provided, multiple submitters, no conflicts (2 of 4 stars). 2 submissions from 2 submitters: Pathogenic (2). Last evaluated 2015-12-02.

Conditions:
Hereditary cancer-predisposing syndrome. Also called: Neoplastic Syndromes, Hereditary; Hereditary neoplastic syndrome; Hereditary Cancer Syndrome; Tumor predisposition. Identifiers: Orphanet 140162, MedGen C0027672, MeSH D009386, MONDO:0015356.

Submissions (2):

GeneDx
Classification: Pathogenic. Last evaluated: 2015-12-02. Review status: criteria provided, single submitter. Criteria: GeneDx Variant Classification (06012015). Collection method: clinical testing. Allele origin: germline. Affected: yes.
Comment: The c.1464delG pathogenic variant in the MEN1 gene has not been reported, to our knowledge, in the literature as a pathogenic variant nor as a benign variant. The deletion causes a frameshift starting with codon Lysine 488, changes this amino acid to an Asparagine residue and creates a premature Stop codon at position 71 of the new reading frame, denoted p.Lys488AsnfsX71. This variant is predicted to result in premature protein truncation. In addition, c.1464delG was not observed in approximately 5,400 individuals of European and African American ancestry in the NHLBI Exome Sequencing Project, indicating it is not a common benign variant in these populations.

Ambry Genetics
Classification: Pathogenic for Hereditary cancer-predisposing syndrome. Last evaluated: 2015-03-20. Review status: criteria provided, single submitter. Criteria: Ambry Variant Classification Scheme 2023. Collection method: clinical testing. Allele origin: germline.
Comment: The c.1464delG pathogenic mutation, located in coding exon 9 of the MEN1 gene, results from a deletion of one nucleotide at position 1464, causing a translational frameshift with a predicted alternate stop codon. Since frameshifts are typically deleterious in nature, this alteration is interpreted as a disease-causing mutation (ACMG Recommendations for Standards for Interpretation and Reporting of Sequence Variations. Revision 2007. Genet Med. 2008;10:294).